The following is an entry in ClinVar:

NM_003482.4(KMT2D):c.6563G>T (p.Arg2188Leu)

Gene: KMT2D (lysine methyltransferase 2D; minus strand). Cytogenetic location: 12q13.12.
Variant type: single nucleotide variant.
Coding change: c.6563G>T on transcript NM_003482.4 (MANE Select); coding-DNA position 6563, G replaced by T.
Protein change: p.Arg2188Leu; replaces arginine 2188 with leucine.
Molecular consequence: missense variant.
Genome position (GRCh38, 1-based): chr12:49,041,207, C>A on the plus strand (G>T on the coding strand, the complement: KMT2D is on the minus strand). VCF-style: chr12-49041207-C-A. GRCh37 (hg19) VCF-style: chr12-49434990-C-A.
Other names: short protein forms R2188L.
Identifiers: ClinVar variation 2855132 (VCV002855132.4), dbSNP rs541122919, ClinGen allele CA6547235.
Genomic context (GRCh38, chr12:49,041,207, plus strand): 5'-TGCGCAGGGGCCCCCGTAGGACTAGGATAGGGGGGATAGGTGGGCGGTGCCGTGGGGAAG[C>A]GGGGCTCCAGGGGATAGGCAGGGGCCAGTCCAAAGGGGTCCTGCGAAGGCACTTGGGCGG-3'
Protein context (NP_003473.3, residues 2178-2198): GLAPAYPLEP[Arg2188Leu]FPTAPPTYPP

ClinVar aggregate classification (germline): Conflicting classifications of pathogenicity. Review status: criteria provided, conflicting classifications (1 of 4 stars). 2 submissions from 2 submitters: Uncertain significance (1); Benign (1). Last evaluated 2025-05-28.

Conditions:
Kabuki syndrome. Also called: NIIKAWA-KUROKI SYNDROME; Kabuki make-up syndrome. Identifiers: Orphanet 2322, MedGen C0796004, MONDO:0016512.
KMT2D-related disorder. Also called: KMT2D-Related Disorders.

gnomAD v4.1: 4 of 1,511,884 alleles (0.00026%); highest among the groups gnomAD compares: Admixed American, 0.007%; no homozygotes.

Submissions (2):

Labcorp Genetics (formerly Invitae), Labcorp
Classification: Benign for Kabuki syndrome. Last evaluated: 2025-05-28. Review status: criteria provided, single submitter. Criteria: Invitae Variant Classification Sherloc (09022015). Collection method: clinical testing. Allele origin: germline.

PreventionGenetics, part of Exact Sciences
Classification: Uncertain significance for KMT2D-related condition. Last evaluated: 2024-10-26. Review status: criteria provided, single submitter. Criteria: ACMG Guidelines, 2015. Collection method: clinical testing. Allele origin: germline.
Comment: The KMT2D c.6563G>T variant is predicted to result in the amino acid substitution p.Arg2188Leu. To our knowledge, this variant has not been reported in the literature. This variant is reported in 0.011% of alleles in individuals of Latino descent in gnomAD. Although we suspect that this variant may be benign, at this time, the clinical significance of this variant is uncertain due to the absence of conclusive functional and genetic evidence.